The following is an entry in ClinVar:

ClinVar aggregate classification (germline): Uncertain significance. Review status: criteria provided, multiple submitters, no conflicts (2 of 4 stars). 3 submissions from 3 submitters: Uncertain significance (3). Last evaluated 2024-09-11.

Conditions:
Alpha-1-antitrypsin deficiency (A1ATD). Also called: Alpha1-Antitrypsin Deficiency; AAT deficiency; A1AT deficiency. Identifiers: Orphanet 60, MedGen C0221757, MONDO:0013282, OMIM 613490.

Allele frequency attached by ClinVar (database versions not stated): ExAC 0.00003; gnomAD 0.00006; gnomAD exomes 0.00007; TOPMed 0.00010; ESP Exome Variant Server 0.00015.
gnomAD v4.1: 477 of 1,612,596 alleles (0.03%); highest among the groups gnomAD compares: Non-Finnish European, 0.04%; 1 homozygote.

Submissions (3):

Labcorp Genetics (formerly Invitae), Labcorp
Classification: Uncertain significance for Alpha-1-antitrypsin deficiency. Last evaluated: 2024-09-11. Review status: criteria provided, single submitter. Criteria: Invitae Variant Classification Sherloc (09022015). Collection method: clinical testing. Allele origin: germline.
Comment: This sequence change replaces serine, which is neutral and polar, with phenylalanine, which is neutral and non-polar, at codon 69 of the SERPINA1 protein (p.Ser69Phe). This variant is present in population databases (rs199687431, gnomAD 0.01%). This missense change has been observed in individual(s) with lung disease (PMID: 31661293). ClinVar contains an entry for this variant (Variation ID: 315030). Invitae Evidence Modeling of protein sequence and biophysical properties (such as structural, functional, and spatial information, amino acid conservation, physicochemical variation, residue mobility, and thermodynamic stability) has been performed for this missense variant. However, the output from this modeling did not meet the statistical confidence thresholds required to predict the impact of this variant on SERPINA1 protein function. In summary, the available evidence is currently insufficient to determine the role of this variant in disease. Therefore, it has been classified as a Variant of Uncertain Significance.

Eurofins Ntd Llc (ga)
Classification: Uncertain significance. Last evaluated: 2018-08-22. Review status: criteria provided, single submitter. Criteria: EGL ClinVar v180209 classification definitions. Collection method: clinical testing. Allele origin: germline. Observed: 1 variant allele, 1 heterozygote.

Illumina Laboratory Services, Illumina
Classification: Uncertain significance for Alpha-1-antitrypsin deficiency. Last evaluated: 2018-01-13. Review status: criteria provided, single submitter. Criteria: ICSL Variant Classification Criteria 13 December 2019. Collection method: clinical testing. Allele origin: germline.

Literature cited by the submitters: PubMed 31661293 (cited by Labcorp Genetics (formerly Invitae), Labcorp).

NM_000295.5(SERPINA1):c.206C>T (p.Ser69Phe)

Gene: SERPINA1 (serpin family A member 1; minus strand). Cytogenetic location: 14q32.13.
Variant type: single nucleotide variant.
Coding change: c.206C>T on transcript NM_000295.5 (MANE Select); coding-DNA position 206, C replaced by T.
Protein change: p.Ser69Phe; replaces serine 69 with phenylalanine.
Molecular consequence: missense variant.
Genome position (GRCh38, 1-based): chr14:94,383,032, G>A on the plus strand (C>T on the coding strand, the complement: SERPINA1 is on the minus strand). VCF-style: chr14-94383032-G-A. GRCh37 (hg19) VCF-style: chr14-94849369-G-A.
Other names: c.206C>T, p.Ser69Phe (NM_001002235.3, NM_001002236.3, NM_001127700.2 and 7 more transcripts); short protein forms S69F.
Identifiers: ClinVar variation 315030 (VCV000315030.10), dbSNP rs199687431, ClinGen allele CA7327526.
Genomic context (GRCh38, chr14:94,383,032, plus strand): 5'-GAGAGCATTGCAAAGGCTGTAGCGATGCTCACTGGGGAGAAGAAGATATTGGTGCTGTTG[G>A]ACTGGTGTGCCAGCTGGCGGTATAGGCTGAAGGCGAACTCAGCCAGGTTGGGGGTGATCT-3'
Protein context (NP_000286.3, residues 59-79): FSLYRQLAHQ[Ser69Phe]NSTNIFFSPV